The following is an entry in ClinVar:

ClinVar aggregate classification (germline): Likely benign (1 of 4 stars; one submission).

gnomAD v4.1: 97 of 1,614,036 alleles (0.006%); highest among the groups gnomAD compares: South Asian, 0.089%; 2 homozygotes.

Submission:

CeGaT Center for Human Genetics Tuebingen
Classification: Likely benign. Last evaluated: 2025-06-01. Review status: criteria provided, single submitter. Criteria: CeGaT Center For Human Genetics Tuebingen Variant Classification Criteria Version 2. Collection method: clinical testing. Allele origin: germline. Affected: yes. Observed: 1 variant allele.
Comment: UGT1A8: BP4, BP7

NM_019076.5(UGT1A8):c.279C>T (p.Phe93=)

Genes: UGT1A (UDP glucuronosyltransferase family 1 member A complex locus; plus strand), UGT1A8 (UDP glucuronosyltransferase family 1 member A8; plus strand). Cytogenetic location: 2q37.1.
Variant type: single nucleotide variant.
Coding change: c.279C>T on transcript NM_019076.5 (MANE Select); coding-DNA position 279, C replaced by T.
Protein change: p.Phe93=; no amino-acid change (phenylalanine 93 retained).
Molecular consequence: synonymous variant.
Genome position (GRCh38, 1-based): chr2:233,617,986, C>T. VCF-style: chr2-233617986-C-T. GRCh37 (hg19) VCF-style: chr2-234526632-C-T.
Identifiers: ClinVar variation 3905162 (VCV003905162.10).